The following is an entry in ClinVar:

NM_001605.3(AARS1):c.145-3T>C

Gene: AARS1 (alanyl-tRNA synthetase 1; minus strand). Cytogenetic location: 16q22.1.
Variant type: single nucleotide variant.
Coding change: c.145-3T>C on transcript NM_001605.3 (MANE Select); 3 bases into the intron before coding-DNA position 145, T replaced by C.
Molecular consequence: intron variant.
Genome position (GRCh38, 1-based): chr16:70,277,157, A>G on the plus strand (T>C on the coding strand, the complement: AARS1 is on the minus strand). VCF-style: chr16-70277157-A-G. GRCh37 (hg19) VCF-style: chr16-70311060-A-G.
Identifiers: ClinVar variation 839467 (VCV000839467.9), dbSNP rs1006628756, ClinGen allele CA283449374.

ClinVar aggregate classification (germline): Uncertain significance (1 of 4 stars; one submission).

Conditions:
Charcot-Marie-Tooth disease type 2. Also called: Charcot-Marie-Tooth type 2. Identifiers: Orphanet 64746, MedGen C0270914, MONDO:0018993.

Allele frequency attached by ClinVar (database versions not stated): gnomAD exomes below 0.00001.
gnomAD v4.1: 1 of 1,614,102 alleles (0.000062%); highest among the groups gnomAD compares: South Asian, 0.0011%; no homozygotes.

Submission:

Labcorp Genetics (formerly Invitae), Labcorp
Classification: Uncertain significance for Charcot-Marie-Tooth disease type 2. Last evaluated: 2019-11-27. Review status: criteria provided, single submitter. Criteria: Invitae Variant Classification Sherloc (09022015). Collection method: clinical testing. Allele origin: germline.
Comment: This sequence change falls in intron 2 of the AARS gene. It does not directly change the encoded amino acid sequence of the AARS protein, but it affects a nucleotide within the consensus splice site of the intron. This variant is not present in population databases (ExAC no frequency). In summary, the available evidence is currently insufficient to determine the role of this variant in disease. Therefore, it has been classified as a Variant of Uncertain Significance. Nucleotide substitutions within the consensus splice site are a relatively common cause of aberrant splicing (PMID: 17576681, 9536098). This variant has not been reported in the literature in individuals with AARS-related conditions.

Literature cited by the submitters: PubMed 17576681; PubMed 9536098.